The following is an entry in ClinVar:

ClinVar aggregate classification (germline): Benign (0 of 4 stars; one submission).

Conditions:
CSMD3-related disorder. Also called: CSMD3-related condition.

Allele frequency attached by ClinVar (database versions not stated): gnomAD exomes 0.00034; ExAC 0.00115; 1000 Genomes Project 0.00339; 1000 Genomes Project 30x 0.00344; gnomAD 0.00381; TOPMed 0.00430; ESP Exome Variant Server 0.00461.
gnomAD v4.1: 1,104 of 1,613,422 alleles (0.068%); highest among the groups gnomAD compares: African/African-American, 1.3%; 5 homozygotes.

Submission:

PreventionGenetics, part of Exact Sciences
Classification: Benign for CSMD3-related condition. Last evaluated: 2019-09-30. Review status: no assertion criteria provided. Collection method: clinical testing. Allele origin: germline.
Comment: This variant is classified as benign based on ACMG/AMP sequence variant interpretation guidelines (Richards et al. 2015 PMID: 25741868, with internal and published modifications).

NM_198123.2(CSMD3):c.10674T>C (p.Leu3558=)

Gene: CSMD3 (CUB and Sushi multiple domains 3; minus strand). Cytogenetic location: 8q23.3.
Variant type: single nucleotide variant.
Coding change: c.10674T>C on transcript NM_198123.2 (MANE Select); coding-DNA position 10674, T replaced by C.
Protein change: p.Leu3558=; no amino-acid change (leucine 3558 retained).
Molecular consequence: synonymous variant.
Genome position (GRCh38, 1-based): chr8:112,234,431, A>G on the plus strand (T>C on the coding strand, the complement: CSMD3 is on the minus strand). VCF-style: chr8-112234431-A-G. GRCh37 (hg19) VCF-style: chr8-113246660-A-G.
Other names: c.10074T>C, p.Leu3358= (NM_001363185.1); c.10167T>C, p.Leu3389= (NM_052900.3); c.10554T>C, p.Leu3518= (NM_198124.2).
Identifiers: ClinVar variation 3055454 (VCV003055454.2), dbSNP rs115135395, ClinGen allele CA4848292.